The following is an entry in ClinVar:

ClinVar aggregate classification (germline): Uncertain significance. Review status: criteria provided, multiple submitters, no conflicts (2 of 4 stars). 2 submissions from 2 submitters: Uncertain significance (2). Last evaluated 2024-01-03.

Conditions:
Chédiak-Higashi syndrome (CHS). Also called: Chediak-Higashi Syndrome. Identifiers: Orphanet 167, MedGen C0007965, MONDO:0008963, OMIM 214500.

Allele frequency attached by ClinVar (database versions not stated): gnomAD exomes below 0.00001.
gnomAD v4.1: 1 of 1,613,946 alleles (0.000062%); highest among the groups gnomAD compares: Non-Finnish European, 0.000085%; no homozygotes.

Submissions (2):

Fulgent Genetics
Classification: Uncertain significance for Chédiak-Higashi syndrome. Last evaluated: 2024-01-03. Review status: criteria provided, single submitter. Criteria: ACMG Guidelines, 2015. Collection method: clinical testing. Allele origin: germline.

Labcorp Genetics (formerly Invitae), Labcorp
Classification: Uncertain significance for Chédiak-Higashi syndrome. Last evaluated: 2021-07-13. Review status: criteria provided, single submitter. Criteria: Invitae Variant Classification Sherloc (09022015). Collection method: clinical testing. Allele origin: germline.
Comment: In summary, the available evidence is currently insufficient to determine the role of this variant in disease. Therefore, it has been classified as a Variant of Uncertain Significance. This sequence change replaces proline with alanine at codon 319 of the LYST protein (p.Pro319Ala). The proline residue is moderately conserved and there is a small physicochemical difference between proline and alanine. This variant is not present in population databases (ExAC no frequency). This variant has not been reported in the literature in individuals affected with LYST-related conditions. Algorithms developed to predict the effect of missense changes on protein structure and function are either unavailable or do not agree on the potential impact of this missense change (SIFT: "Tolerated"; PolyPhen-2: "Probably Damaging"; Align-GVGD: "Class C0").

NM_000081.4(LYST):c.955C>G (p.Pro319Ala)

Gene: LYST (lysosomal trafficking regulator; minus strand). Cytogenetic location: 1q42.3.
Variant type: single nucleotide variant.
Coding change: c.955C>G on transcript NM_000081.4 (MANE Select); coding-DNA position 955, C replaced by G.
Protein change: p.Pro319Ala; replaces proline 319 with alanine.
Molecular consequence: missense variant.
Genome position (GRCh38, 1-based): chr1:235,809,863, G>C on the plus strand (C>G on the coding strand, the complement: LYST is on the minus strand). VCF-style: chr1-235809863-G-C. GRCh37 (hg19) VCF-style: chr1-235973163-G-C.
Other names: c.955C>G, p.Pro319Ala (NM_001301365.1); short protein forms P319A.
Identifiers: ClinVar variation 1411152 (VCV001411152.8), dbSNP rs2527122588, ClinGen allele CA344963673.